The following is an entry in ClinVar:

NM_198578.4(LRRK2):c.2431G>C (p.Gly811Arg)

Gene: LRRK2 (leucine rich repeat kinase 2; plus strand). Cytogenetic location: 12q12.
Variant type: single nucleotide variant.
Coding change: c.2431G>C on transcript NM_198578.4 (MANE Select); coding-DNA position 2431, G replaced by C.
Protein change: p.Gly811Arg; replaces glycine 811 with arginine.
Molecular consequence: missense variant.
Genome position (GRCh38, 1-based): chr12:40,284,064, G>C. VCF-style: chr12-40284064-G-C. GRCh37 (hg19) VCF-style: chr12-40677866-G-C.
Other names: short protein forms G811R.
Identifiers: ClinVar variation 2567396 (VCV002567396.2), dbSNP rs2499665147, ClinGen allele CA384407143.

ClinVar aggregate classification (germline): Uncertain significance (1 of 4 stars; one submission).

Conditions:
Inborn genetic diseases. Identifiers: MedGen C0950123, MeSH D030342.

Submission:

Ambry Genetics
Classification: Uncertain significance for Inborn genetic diseases. Last evaluated: 2023-05-14. Review status: criteria provided, single submitter. Criteria: Ambry Variant Classification Scheme 2023. Collection method: clinical testing. Allele origin: germline.
Comment: The p.G811R variant (also known as c.2431G>C), located in coding exon 19 of the LRRK2 gene, results from a G to C substitution at nucleotide position 2431. The glycine at codon 811 is replaced by arginine, an amino acid with dissimilar properties. This amino acid position is conserved. In addition, this alteration is predicted to be deleterious by in silico analysis. Since supporting evidence is limited at this time, the clinical significance of this alteration remains unclear.